The following is an entry in ClinVar:

ClinVar aggregate classification (germline): Benign (1 of 4 stars; one submission).

Conditions:
X-linked lymphoproliferative disease due to XIAP deficiency. Also called: XIAP DEFICIENCY; XIAP-Related Lymphoproliferative Disease, X-Linked. Identifiers: Orphanet 2442, Orphanet 538934, MedGen C1845076, MONDO:0010385, OMIM 300635.

Allele frequency attached by ClinVar (database versions not stated): gnomAD exomes 0.00002 and 0.00007; ExAC 0.00029.

Submission:

Illumina Laboratory Services, Illumina
Classification: Benign for X-linked lymphoproliferative disease due to XIAP deficiency. Last evaluated: 2018-01-13. Review status: criteria provided, single submitter. Criteria: ICSL Variant Classification Criteria 13 December 2019. Collection method: clinical testing. Allele origin: germline.
Comment: This variant was observed in the ICSL laboratory as part of a predisposition screen in an ostensibly healthy population. It had not been previously curated by ICSL or reported in the Human Gene Mutation Database (HGMD: prior to June 1st, 2018), and was therefore a candidate for classification through an automated scoring system. Utilizing variant allele frequency, disease prevalence and penetrance estimates, and inheritance mode, an automated score was calculated to assess if this variant is too frequent to cause the disease. Based on the score and internal cut-off values, a variant classified as benign is not then subjected to further curation. The score for this variant resulted in a classification of benign for this disease.

NM_001167.4(XIAP):c.*5010A>G

Gene: XIAP (X-linked inhibitor of apoptosis; plus strand). Cytogenetic location: Xq25.
Variant type: single nucleotide variant.
Coding change: c.*5010A>G on transcript NM_001167.4 (MANE Select); 5010 bases downstream of the stop codon, A replaced by G.
Molecular consequence: 3 prime UTR variant. On other transcripts: non-coding transcript variant (2).
Genome position (GRCh38, 1-based): chrX:123,912,191, A>G. VCF-style: chrX-123912191-A-G. GRCh37 (hg19) VCF-style: chrX-123046041-A-G.
Other names: c.*5010A>G (NM_001204401.2, NM_001378590.1, NM_001378591.1 and 1 more transcripts).
Identifiers: ClinVar variation 912792 (VCV000912792.4), dbSNP rs770776017, ClinGen allele CA10508378.